The following is an entry in ClinVar:

NM_000051.4(ATM):c.3349_3355delinsTAAACAT (p.Gln1117_Ala1119delinsTer)

Gene: ATM (ATM serine/threonine kinase; plus strand). Cytogenetic location: 11q22.3.
Variant type: Indel.
Coding change: c.3349_3355delinsTAAACAT on transcript NM_000051.4 (MANE Select); coding-DNA positions 3349 to 3355, CAAACAG replaced by TAAACAT.
Protein change: p.Gln1117_Ala1119delinsTer.
Molecular consequence: nonsense.
Genome position (GRCh38, 1-based): chr11:108,279,555-108,279,561, CAAACAG replaced by TAAACAT. VCF-style: chr11-108279555-CAAACAG-TAAACAT. GRCh37 (hg19) VCF-style: chr11-108150282-CAAACAG-TAAACAT.
Other names: c.3349_3355delinsTAAACAT, p.Gln1117_Ala1119delinsTer (NM_001351834.2); c.3349_3355delCAAACAGinsTAAACAT (NM_000051.3).
Identifiers: ClinVar variation 422868 (VCV000422868.7), dbSNP rs1064796055, ClinGen allele CA16619160.
Genomic context (GRCh38, chr11:108,279,555, plus strand): 5'-TTCCAGGACACGAAGGGAGATTCTTCCAGGTTACTGAAAGCACTTCCTTTGAAGCTTCAG[CAAACAG>TAAACAT]CTTTTGAAAATGCATACTTGAAAGCTCAGGAAGGAATGAGAGAAATGGTAATTTTAAGTA-3'

ClinVar aggregate classification (germline): Pathogenic. Review status: criteria provided, multiple submitters, no conflicts (2 of 4 stars). 3 submissions from 3 submitters: Pathogenic (3). Last evaluated 2023-02-13.

Conditions:
ATM-related disorder. Also called: ATM-related disorders; ATM-related condition.
Hereditary cancer-predisposing syndrome. Also called: Tumor predisposition; Hereditary Cancer Syndrome; Hereditary neoplastic syndrome; Neoplastic Syndromes, Hereditary. Identifiers: Orphanet 140162, MedGen C0027672, MeSH D009386, MONDO:0015356.

Submissions (3):

Ambry Genetics
Classification: Pathogenic for Hereditary cancer-predisposing syndrome. Last evaluated: 2023-02-13. Review status: criteria provided, single submitter. Criteria: Ambry Variant Classification Scheme 2023. Collection method: clinical testing. Allele origin: germline.
Comment: The c.3349_3355delCAAACAGinsTAAACAT pathogenic mutation (also known as p.Q1117*), located in coding exon 22 of the ATM gene, results from an in-frame deletion of CAAACAG and insertion of TAAACAT at nucleotide positions 3349 to 3355. This changes the amino acid from a glutamine to a stop codon within coding exon 22. This variant is considered to be rare based on population cohorts in the Genome Aggregation Database (gnomAD). In addition to the clinical data presented in the literature, this alteration is expected to result in loss of function by premature protein truncation or nonsense-mediated mRNA decay. As such, this alteration is interpreted as a disease-causing mutation.

GeneDx
Classification: Pathogenic. Last evaluated: 2022-05-16. Review status: criteria provided, single submitter. Criteria: GeneDx Variant Classification Process June 2021. Collection method: clinical testing. Allele origin: germline. Affected: yes.
Comment: Nonsense variant predicted to result in protein truncation or nonsense mediated decay in a gene for which loss of function is a known mechanism of disease; Not observed at significant frequency in large population cohorts (gnomAD); ATM c.3349C>T p.(Gln1117Ter) was identified in an individual with a personal and family history of breast cancer (Renwick 2006); This variant is associated with the following publications: (PMID: 25525159, 19781682, 16832357)

Blueprint Genetics
Classification: Pathogenic for ATM-related disorders. Last evaluated: 2022-04-01. Review status: criteria provided, single submitter. Criteria: ACMG Guidelines, 2015. Collection method: clinical testing. Allele origin: germline. Affected: yes. Observed: 1 variant allele.

Literature cited by the submitters: PubMed 26896183 (cited by Ambry Genetics).